The following is an entry in ClinVar:

NM_003742.4(ABCB11):c.3834C>T (p.Ser1278=)

Gene: ABCB11 (ATP binding cassette subfamily B member 11; minus strand). Cytogenetic location: 2q31.1.
Variant type: single nucleotide variant.
Coding change: c.3834C>T on transcript NM_003742.4 (MANE Select); coding-DNA position 3834, C replaced by T.
Protein change: p.Ser1278=; no amino-acid change (serine 1278 retained).
Molecular consequence: synonymous variant.
Genome position (GRCh38, 1-based): chr2:168,923,754, G>A on the plus strand (C>T on the coding strand, the complement: ABCB11 is on the minus strand). VCF-style: chr2-168923754-G-A. GRCh37 (hg19) VCF-style: chr2-169780264-G-A.
Other names: c.3834C>T (NM_003742.2).
Identifiers: ClinVar variation 1649409 (VCV001649409.9), dbSNP rs1374522673, ClinGen allele CA429912478.

ClinVar aggregate classification (germline): Likely benign. Review status: criteria provided, multiple submitters, no conflicts (2 of 4 stars). 2 submissions from 2 submitters: Likely benign (2). Last evaluated 2024-12-31.

Conditions:
ABCB11-related disorder. Also called: ABCB11-related condition.

Allele frequency attached by ClinVar (database versions not stated): gnomAD exomes below 0.00001.
gnomAD v4.1: 4 of 1,613,860 alleles (0.00025%); highest among the groups gnomAD compares: Middle Eastern, 0.016%; no homozygotes.

Submissions (2):

PreventionGenetics, part of Exact Sciences
Classification: Likely benign for ABCB11-related condition. Last evaluated: 2024-12-31. Review status: criteria provided, single submitter. Criteria: ACMG Guidelines, 2015. Collection method: clinical testing. Allele origin: germline.
Comment: This variant is classified as likely benign based on ACMG/AMP sequence variant interpretation guidelines (Richards et al. 2015 PMID: 25741868, with internal and published modifications).

Labcorp Genetics (formerly Invitae), Labcorp
Classification: Likely benign. Last evaluated: 2021-04-14. Review status: criteria provided, single submitter. Criteria: Invitae Variant Classification Sherloc (09022015). Collection method: clinical testing. Allele origin: germline.